The following is an entry in ClinVar:

ClinVar aggregate classification (germline): Likely benign (1 of 4 stars; one submission).

Allele frequency attached by ClinVar (database versions not stated): 1000 Genomes Project 30x 0.00250; 1000 Genomes Project 0.00260; TOPMed 0.00442; gnomAD 0.00587.

Submission:

GeneDx
Classification: Likely benign. Last evaluated: 2020-04-28. Review status: criteria provided, single submitter. Criteria: GeneDx Variant Classification Process June 2021. Collection method: clinical testing. Allele origin: germline. Affected: yes.
Comment: See Variant Classification Assertion Criteria.

NM_133433.4(NIPBL):c.4421+205dup

Gene: NIPBL (NIPBL cohesin loading factor; plus strand). Cytogenetic location: 5p13.2.
Variant type: Duplication.
Coding change: c.4421+205dup on transcript NM_133433.4 (MANE Select); 205 bases into the intron after coding-DNA position 4421, one base duplicated (G; older notation c.4421+205dupG).
Molecular consequence: intron variant.
Genome position (GRCh38, 1-based): chr5:37,008,928, G duplicated. VCF-style (leftmost placement, unchanged base first): chr5-37008927-A-AG. GRCh37 (hg19) VCF-style: chr5-37009029-A-AG.
Other names: c.4421+205dup (NM_015384.5).
Identifiers: ClinVar variation 2501319 (VCV002501319.1), dbSNP rs145915364, ClinGen allele CA117062148.
Genomic context (GRCh38, chr5:37,008,927, plus strand): 5'-GTGTGAAATAACATGGCATATTTAGGGGGCTTAGAAAACTTCACTGATTCTCAAGGGTAA[A>AG]GATCTGTGGCAGGGTTTTTCAGTGTTGGCACTGTTGACATTTTAGGCCATATAACACTTT-3'